The following is an entry in ClinVar:

NM_032043.3(BRIP1):c.2258-47_2258-20del

Gene: BRIP1 (BRCA1 interacting DNA helicase 1; minus strand). Cytogenetic location: 17q23.2.
Variant type: Deletion.
Coding change: c.2258-47_2258-20del on transcript NM_032043.3 (MANE Select); 47 bases into the intron before coding-DNA position 2258 through 20 bases into the intron before coding-DNA position 2258, 28 bases deleted (TAAGCAATTTCTGAGAATTTTGGATATG).
Molecular consequence: intron variant.
Genome position (GRCh38, 1-based): chr17:61,743,154-61,743,181, CATATCCAAAATTCTCAGAAATTGCTTA deleted on the plus strand (TAAGCAATTTCTGAGAATTTTGGATATG on the coding strand, the reverse complement: BRIP1 is on the minus strand). VCF-style (leftmost placement, unchanged base first): chr17-61743153-GCATATCCAAAATTCTCAGAAATTGCTTA-G. GRCh37 (hg19) VCF-style: chr17-59820514-GCATATCCAAAATTCTCAGAAATTGCTTA-G.
Identifiers: ClinVar variation 3379008 (VCV003379008.1).

ClinVar aggregate classification (germline): Likely benign (1 of 4 stars; one submission).

Conditions:
Familial cancer of breast. Also called: hereditary breast carcinoma; Hereditary breast cancer; BREAST CANCER, FAMILIAL. Identifiers: Orphanet 227535, MedGen C0346153, MONDO:0016419, OMIM 114480. Disease mechanism: loss of function.

Submission:

Myriad Genetics, Inc.
Classification: Likely benign for Familial cancer of breast. Last evaluated: 2024-09-04. Review status: criteria provided, single submitter. Criteria: Myriad Autosomal Dominant, Autosomal Recessive and X-Linked Classification Criteria (2023). Collection method: clinical testing. Allele origin: unknown.
Comment: This variant is considered likely benign. This variant is intronic and is not expected to impact mRNA splicing.